The following is an entry in ClinVar:

NM_015450.3(POT1):c.24T>G (p.Asn8Lys)

Gene: POT1 (protection of telomeres 1; minus strand). Cytogenetic location: 7q31.33.
Variant type: single nucleotide variant.
Coding change: c.24T>G on transcript NM_015450.3 (MANE Select); coding-DNA position 24, T replaced by G.
Protein change: p.Asn8Lys; replaces asparagine 8 with lysine.
Molecular consequence: missense variant. On other transcripts: 5 prime UTR variant (1), non-coding transcript variant (3).
Genome position (GRCh38, 1-based): chr7:124,892,366, A>C on the plus strand (T>G on the coding strand, the complement: POT1 is on the minus strand). VCF-style: chr7-124892366-A-C. GRCh37 (hg19) VCF-style: chr7-124532420-A-C.
Other names: c.-239T>G (NM_001042594.2); short protein forms N8K.
Identifiers: ClinVar variation 1792240 (VCV001792240.2), dbSNP rs2485562966, ClinGen allele CA369066288.

ClinVar aggregate classification (germline): Uncertain significance (1 of 4 stars; one submission).

Conditions:
Hereditary cancer-predisposing syndrome. Also called: Hereditary Cancer Syndrome; Hereditary neoplastic syndrome; Tumor predisposition; Neoplastic Syndromes, Hereditary. Identifiers: Orphanet 140162, MedGen C0027672, MeSH D009386, MONDO:0015356.

Submission:

Ambry Genetics
Classification: Uncertain significance for Hereditary cancer-predisposing syndrome. Last evaluated: 2022-01-15. Review status: criteria provided, single submitter. Criteria: Ambry Variant Classification Scheme 2023. Collection method: clinical testing. Allele origin: germline.
Comment: The p.N8K variant (also known as c.24T>G), located in coding exon 2 of the POT1 gene, results from a T to G substitution at nucleotide position 24. The asparagine at codon 8 is replaced by lysine, an amino acid with similar properties. This amino acid position is conserved. In addition, this alteration is predicted to be tolerated by in silico analysis. Since supporting evidence is limited at this time, the clinical significance of this alteration remains unclear.